The following is an entry in ClinVar:

ClinVar aggregate classification (germline): Uncertain significance (1 of 4 stars; one submission).

Conditions:
Autosomal recessive limb-girdle muscular dystrophy type 2Y (MRRSDC). Also called: Muscular dystrophy, autosomal recessive, with rigid spine and distal joint contractures; Muscular dystrophy, limb-girdle, type 2y. Identifiers: Orphanet 424261, MedGen C4511482, MONDO:0014900, OMIM 617072.

Allele frequency attached by ClinVar (database versions not stated): gnomAD exomes below 0.00001.

Submission:

Labcorp Genetics (formerly Invitae), Labcorp
Classification: Uncertain significance for Autosomal recessive limb-girdle muscular dystrophy type 2Y. Last evaluated: 2020-12-19. Review status: criteria provided, single submitter. Criteria: Invitae Variant Classification Sherloc (09022015). Collection method: clinical testing. Allele origin: germline.
Comment: In summary, the available evidence is currently insufficient to determine the role of this variant in disease. Therefore, it has been classified as a Variant of Uncertain Significance. Algorithms developed to predict the effect of missense changes on protein structure and function (SIFT, PolyPhen-2, Align-GVGD) all suggest that this variant is likely to be disruptive, but these predictions have not been confirmed by published functional studies and their clinical significance is uncertain. This variant has not been reported in the literature in individuals with TOR1AIP1-related conditions. This variant is not present in population databases (ExAC no frequency). This sequence change replaces phenylalanine with valine at codon 482 of the TOR1AIP1 protein (p.Phe482Val). The phenylalanine residue is highly conserved and there is a small physicochemical difference between phenylalanine and valine.

NM_015602.4(TOR1AIP1):c.1441T>G (p.Phe481Val)

Gene: TOR1AIP1 (torsin 1A interacting protein 1; plus strand). Cytogenetic location: 1q25.2.
Variant type: single nucleotide variant.
Coding change: c.1441T>G on transcript NM_015602.4 (MANE Select); coding-DNA position 1441, T replaced by G.
Protein change: p.Phe481Val; replaces phenylalanine 481 with valine.
Molecular consequence: missense variant.
Genome position (GRCh38, 1-based): chr1:179,917,928, T>G. VCF-style: chr1-179917928-T-G. GRCh37 (hg19) VCF-style: chr1-179887063-T-G.
Other names: c.1444T>G, p.Phe482Val (NM_001267578.2); short protein forms F481V, F482V.
Identifiers: ClinVar variation 1414357 (VCV001414357.8), dbSNP rs762266968, ClinGen allele CA343575147.